The following is an entry in ClinVar:

ClinVar aggregate classification (germline): Uncertain significance (1 of 4 stars; one submission).

Submission:

CeGaT Center for Human Genetics Tuebingen
Classification: Uncertain significance. Last evaluated: 2023-09-01. Review status: criteria provided, single submitter. Criteria: CeGaT Center For Human Genetics Tuebingen Variant Classification Criteria Version 2. Collection method: clinical testing. Allele origin: germline. Affected: yes. Observed: 1 variant allele.
Comment: HR: PM2, BP4

NM_005144.5(HR):c.2846+8T>C

Gene: HR (HR lysine demethylase and nuclear receptor corepressor; minus strand). Cytogenetic location: 8p21.3.
Variant type: single nucleotide variant.
Coding change: c.2846+8T>C on transcript NM_005144.5 (MANE Select); 8 bases into the intron after coding-DNA position 2846, T replaced by C.
Molecular consequence: intron variant.
Genome position (GRCh38, 1-based): chr8:22,120,096, A>G on the plus strand (T>C on the coding strand, the complement: HR is on the minus strand). VCF-style: chr8-22120096-A-G. GRCh37 (hg19) VCF-style: chr8-21977609-A-G.
Other names: c.2846+8T>C (NM_018411.4).
Identifiers: ClinVar variation 2658464 (VCV002658464.24), dbSNP rs2538873753, ClinGen allele CA2686421279.